The following is an entry in ClinVar:

NM_000719.7(CACNA1C):c.1888A>G (p.Ile630Val)

Gene: CACNA1C (calcium voltage-gated channel subunit alpha1 C; plus strand). Cytogenetic location: 12p13.33.
Variant type: single nucleotide variant.
Coding change: c.1888A>G on transcript NM_000719.7 (MANE Select); coding-DNA position 1888, A replaced by G.
Protein change: p.Ile630Val; replaces isoleucine 630 with valine.
Molecular consequence: missense variant.
Genome position (GRCh38, 1-based): chr12:2,567,787, A>G. VCF-style: chr12-2567787-A-G. GRCh37 (hg19) VCF-style: chr12-2676953-A-G.
Other names: c.1888A>G, p.Ile630Val (NM_001129827.2, NM_001129829.2, NM_001129830.3 and 18 more transcripts); c.1879A>G, p.Ile627Val (NM_001129844.2); short protein forms I630V, I627V.
Identifiers: ClinVar variation 456948 (VCV000456948.10), dbSNP rs1555800433, ClinGen allele CA383369255.

ClinVar aggregate classification (germline): Uncertain significance (1 of 4 stars; one submission).

Conditions:
Long QT syndrome (LQTS). Identifiers: MedGen C0023976, MeSH D008133, MONDO:0002442. Disease mechanism: loss of function. Inheritance: Various modes of inheritance.

Submissions (2):

Labcorp Genetics (formerly Invitae), Labcorp
Classification: Uncertain significance for Long QT syndrome. Last evaluated: 2017-05-01. Review status: criteria provided, single submitter. Criteria: Invitae Variant Classification Sherloc (09022015). Collection method: clinical testing. Allele origin: germline.
Comment: This variant is not present in population databases (ExAC no frequency) and has not been reported in the literature in individuals with a CACNA1C-related disease. This sequence change replaces isoleucine with valine at codon 630 of the CACNA1C protein (p.Ile630Val). The isoleucine residue is moderately conserved and there is a small physicochemical difference between isoleucine and valine. In summary, this variant is a novel missense change with uncertain impact on protein function. It has been classified as a Variant of Uncertain Significance. Algorithms developed to predict the effect of sequence changes on RNA splicing suggest that this variant may alter RNA splicing, but this prediction has not been confirmed by published transcriptional studies. Algorithms developed to predict the effect of missense changes on protein structure and function do not agree on the potential impact of this missense change (SIFT: "Tolerated"; PolyPhen-2: "Probably Damaging"; Align-GVGD: "Class C0").

Dr. Peter K. Rogan Lab, Western University
No classification provided (evidence only). Condition: Thyroid cancer, nonmedullary, 1. Review status: no classification provided. Collection method: in vitro. Allele origin: not applicable. Functional consequence: retained intron. Not counted in ClinVar's aggregate classification.